The following is an entry in ClinVar:

ClinVar aggregate classification (germline): Likely benign (1 of 4 stars; one submission).

Submission:

GeneDx
Classification: Likely benign. Last evaluated: 2017-01-05. Review status: criteria provided, single submitter. Criteria: GeneDx Variant Classification (06012015). Collection method: clinical testing. Allele origin: germline. Affected: yes.
Comment: This variant is considered likely benign or benign based on one or more of the following criteria: it is a conservative change, it occurs at a poorly conserved position in the protein, it is predicted to be benign by multiple in silico algorithms, and/or has population frequency not consistent with disease.

NM_001267550.2(TTN):c.34931-13G>C

Gene: TTN (titin; minus strand). Cytogenetic location: 2q31.2.
Variant type: single nucleotide variant.
Coding change: c.34931-13G>C on transcript NM_001267550.2 (MANE Select); 13 bases into the intron before coding-DNA position 34931, G replaced by C.
Molecular consequence: intron variant.
Genome position (GRCh38, 1-based): chr2:178,672,280, C>G on the plus strand (G>C on the coding strand, the complement: TTN is on the minus strand). VCF-style: chr2-178672280-C-G. GRCh37 (hg19) VCF-style: chr2-179537007-C-G.
Other names: c.33809-13G>C (NM_001256850.1); c.13283-29963G>C (NM_003319.4); c.13859-29963G>C (NM_133437.4); c.13658-29963G>C (NM_133432.3); c.31028-13G>C (NM_133378.4).
Identifiers: ClinVar variation 392451 (VCV000392451.1), dbSNP rs1057524496, ClinGen allele CA16604169.